The following is an entry in ClinVar:

ClinVar aggregate classification (germline): Pathogenic (1 of 4 stars; one submission).

Conditions:
Capillary malformation-arteriovenous malformation 1 (CMAVM1). Identifiers: Orphanet 137667, Orphanet 693907, MedGen C4747394, MONDO:0020783, OMIM 608354.

Submission:

Excellence Center for Genomics and Precision Medicine, King Chulalongkorn Memorial Hospital and Chulalongkorn University, Chulalongkorn University
Classification: Pathogenic for Capillary malformation-arteriovenous malformation 1. Last evaluated: 2020-10-01. Review status: criteria provided, single submitter. Criteria: ACMG Guidelines, 2015. Collection method: clinical testing. Allele origin: unknown. Inheritance: Autosomal dominant inheritance. Affected: yes. Observed: 1 heterozygote.
Comment: The variation is predicted to result in premature termination codon due to the frameshift changed by 1 bp deletion in RASA1. The mutation in this gene is known to be associated with capillary-malformation- arteriovenous malformation 1. The loss of function is the known mechanisms of this gene. The variant was not found in gnomAD database or TOPMED database. The clinical manifestation of the patient can be explained by the change in this gene. Therefore, we characterize this variant as pathogenic according to the ACMG criteria.

NM_002890.3(RASA1):c.499del (p.Glu167fs)

Gene: RASA1 (RAS p21 protein activator 1; plus strand). Cytogenetic location: 5q14.3.
Variant type: Deletion.
Coding change: c.499del on transcript NM_002890.3 (MANE Select); coding-DNA position 499, one base deleted (G; older notation c.499delG).
Protein change: p.Glu167fs; shifts the reading frame from glutamic acid 167.
Molecular consequence: frameshift variant. On other transcripts: 5 prime UTR variant (1).
Genome position (GRCh38, 1-based): chr5:87,268,950, G deleted; the last of 2 consecutive G bases (chr5:87,268,949-87,268,950); deleting either gives the same sequence. VCF-style (leftmost placement, unchanged base first): chr5-87268948-AG-A. GRCh37 (hg19) VCF-style: chr5-86564765-AG-A.
Other names: c.-98del (NM_022650.3); short protein forms E167fs.
Identifiers: ClinVar variation 981222 (VCV000981222.3), dbSNP rs2112223281, ClinGen allele CA2499217973.